The following is an entry in ClinVar:

NM_000138.5(FBN1):c.3224G>C (p.Arg1075Pro)

Gene: FBN1 (fibrillin 1; minus strand). Cytogenetic location: 15q21.1.
Variant type: single nucleotide variant.
Coding change: c.3224G>C on transcript NM_000138.5 (MANE Select); coding-DNA position 3224, G replaced by C.
Protein change: p.Arg1075Pro; replaces arginine 1075 with proline.
Molecular consequence: missense variant.
Genome position (GRCh38, 1-based): chr15:48,488,226, C>G on the plus strand (G>C on the coding strand, the complement: FBN1 is on the minus strand). VCF-style: chr15-48488226-C-G. GRCh37 (hg19) VCF-style: chr15-48780423-C-G.
Other names: short protein forms R1075P.
Identifiers: ClinVar variation 1302990 (VCV001302990.6), dbSNP rs369745372, ClinGen allele CA392327678.

ClinVar aggregate classification (germline): Uncertain significance. Review status: criteria provided, multiple submitters, no conflicts (2 of 4 stars). 2 submissions from 2 submitters: Uncertain significance (2). Last evaluated 2024-12-16.

Conditions:
Marfan syndrome (MFS). Also called: Marfan syndrome type 1; Marfan's syndrome; FBN1-Related Marfan Syndrome; MARFAN SYNDROME, TYPE I; Marfan syndrome, classic. Identifiers: Orphanet 284963, Orphanet 558, MedGen C0024796, MONDO:0007947, OMIM 154700.
Familial thoracic aortic aneurysm and aortic dissection (TAAD). Also called: Thoracic aortic aneurysms and dissections. Identifiers: Orphanet 91387, MedGen C4707243, MONDO:0019625.

Submissions (2):

Labcorp Genetics (formerly Invitae), Labcorp
Classification: Uncertain significance for Marfan syndrome; Familial thoracic aortic aneurysm and aortic dissection. Last evaluated: 2024-12-16. Review status: criteria provided, single submitter. Criteria: Invitae Variant Classification Sherloc (09022015). Collection method: clinical testing. Allele origin: germline.
Comment: This sequence change replaces arginine, which is basic and polar, with proline, which is neutral and non-polar, at codon 1075 of the FBN1 protein (p.Arg1075Pro). This variant is not present in population databases (gnomAD no frequency). This variant has not been reported in the literature in individuals affected with FBN1-related conditions. ClinVar contains an entry for this variant (Variation ID: 1302990). Invitae Evidence Modeling of protein sequence and biophysical properties (such as structural, functional, and spatial information, amino acid conservation, physicochemical variation, residue mobility, and thermodynamic stability) indicates that this missense variant is expected to disrupt FBN1 protein function with a positive predictive value of 95%. In summary, the available evidence is currently insufficient to determine the role of this variant in disease. Therefore, it has been classified as a Variant of Uncertain Significance.

GeneDx
Classification: Uncertain significance. Last evaluated: 2021-02-18. Review status: criteria provided, single submitter. Criteria: GeneDx Variant Classification Process June 2021. Collection method: clinical testing. Allele origin: germline. Affected: yes.
Comment: Has not been previously published as pathogenic or benign to our knowledge; Not observed in large population cohorts (Lek et al., 2016); In silico analysis supports that this missense variant has a deleterious effect on protein structure/function; Although located in a calcium-binding EGF-like domain of the FBN1 gene, it does not affect a cysteine residue within this domain; cysteine substitutions in the calcium-binding EGF-like domains represent the majority of pathogenic missense changes associated with FBN1-related disorders (Collod-Beroud et al., 2003)